The following is an entry in ClinVar:

NM_001433705.1(NLRP5):c.3278C>T (p.Ser1093Leu)

Gene: NLRP5 (NLR family pyrin domain containing 5; plus strand). Cytogenetic location: 19q13.43.
Variant type: single nucleotide variant.
Coding change: c.3278C>T on transcript NM_001433705.1 (MANE Select); coding-DNA position 3278, C replaced by T.
Protein change: p.Ser1093Leu; replaces serine 1093 with leucine.
Molecular consequence: missense variant.
Genome position (GRCh38, 1-based): chr19:56,058,371, C>T. VCF-style: chr19-56058371-C-T. GRCh37 (hg19) VCF-style: chr19-56569737-C-T.
Other names: NM_153447.4:c.3431C>T; short protein forms S1093L.
Identifiers: ClinVar variation 3055102 (VCV003055102.2), dbSNP rs201161816, ClinGen allele CA9686278.
Genomic context (GRCh38, chr19:56,058,371, plus strand): 5'-TGACCAGTCTAAACCTGGTGCAGAATAACTTCAGTCCCAAAGGAATGATGAAGCTGTGTT[C>T]GGCCTTTGCCTGTCCCACGTCTAACTTACAGATAATTGGGTAAGTCGCCAGCAATTGTCT-3'
Protein context (NP_001420634.1, residues 1083-1103): FSPKGMMKLC[Ser1093Leu]AFACPTSNLQ

ClinVar aggregate classification (germline): Likely benign (0 of 4 stars; one submission).

Conditions:
NLRP5-related disorder. Also called: NLRP5-related condition.

Allele frequency attached by ClinVar (database versions not stated): gnomAD 0.00043; gnomAD exomes 0.00021; ExAC 0.00043.
gnomAD v4.1: 361 of 1,613,840 alleles (0.022%); highest among the groups gnomAD compares: Admixed American, 0.0067%; 3 homozygotes.

Submission:

PreventionGenetics, part of Exact Sciences
Classification: Likely benign for NLRP5-related condition. Last evaluated: 2022-06-23. Review status: no assertion criteria provided. Collection method: clinical testing. Allele origin: germline.
Comment: This variant is classified as likely benign based on ACMG/AMP sequence variant interpretation guidelines (Richards et al. 2015 PMID: 25741868, with internal and published modifications).